The following is an entry in ClinVar:

NM_033028.5(BBS4):c.1049A>G (p.Asn350Ser)

Gene: BBS4 (Bardet-Biedl syndrome 4; plus strand). Cytogenetic location: 15q24.1.
Variant type: single nucleotide variant.
Coding change: c.1049A>G on transcript NM_033028.5 (MANE Select); coding-DNA position 1049, A replaced by G.
Protein change: p.Asn350Ser; replaces asparagine 350 with serine.
Molecular consequence: missense variant. On other transcripts: non-coding transcript variant (2).
Genome position (GRCh38, 1-based): chr15:72,735,125, A>G. VCF-style: chr15-72735125-A-G. GRCh37 (hg19) VCF-style: chr15-73027466-A-G.
Other names: c.533A>G, p.Asn178Ser (NM_001252678.2); c.980A>G, p.Asn327Ser (NM_001320665.2); short protein forms N350S, N327S, N178S.
Identifiers: ClinVar variation 166736 (VCV000166736.19), dbSNP rs150395094, ClinGen allele CA233519.

ClinVar aggregate classification (germline): Conflicting classifications of pathogenicity. Review status: criteria provided, conflicting classifications (1 of 4 stars). 4 submissions from 4 submitters: Uncertain significance (1); Benign (2). 1 of the submissions does not count toward it. Last evaluated 2026-01-17.

Conditions:
BBS4-related disorder. Also called: BBS4-related condition.
Bardet-Biedl syndrome (BBS). Identifiers: Orphanet 110, MedGen C0752166, MONDO:0015229.

Allele frequency attached by ClinVar (database versions not stated): 1000 Genomes Project 30x 0.00031; gnomAD exomes 0.00008 and 0.00026; ExAC 0.00032; ESP Exome Variant Server 0.00100; 1000 Genomes Project 0.00020; gnomAD 0.00096 and 0.00088; TOPMed 0.00098.
gnomAD v4.1: 254 of 1,613,702 alleles (0.016%); highest among the groups gnomAD compares: African/African-American, 0.28%; 1 homozygote.

Submissions (4):

Labcorp Genetics (formerly Invitae), Labcorp
Classification: Benign for Bardet-Biedl syndrome. Last evaluated: 2026-01-17. Review status: criteria provided, single submitter. Criteria: Invitae Variant Classification Sherloc (09022015). Collection method: clinical testing. Allele origin: germline.

Blueprint Genetics
Classification: Benign. Last evaluated: 2024-01-12. Review status: criteria provided, single submitter. Criteria: ACMG Guidelines, 2015. Collection method: clinical testing. Allele origin: germline.

Eurofins Ntd Llc (ga)
Classification: Uncertain significance. Last evaluated: 2014-01-31. Review status: criteria provided, single submitter. Criteria: EGL Classification Definitions 2015. Collection method: clinical testing. Allele origin: germline. Observed: 2 variant alleles, 2 heterozygotes.

PreventionGenetics, part of Exact Sciences
Classification: Likely benign for BBS4-related condition. Last evaluated: 2020-01-23. Review status: no assertion criteria provided. Collection method: clinical testing. Allele origin: germline. Not counted in ClinVar's aggregate classification.
Comment: This variant is classified as likely benign based on ACMG/AMP sequence variant interpretation guidelines (Richards et al. 2015 PMID: 25741868, with internal and published modifications).